The following is an entry in ClinVar:

ClinVar aggregate classification (germline): Pathogenic (1 of 4 stars; one submission).

Conditions:
Bardet-Biedl syndrome (BBS). Identifiers: Orphanet 110, MedGen C0752166, MONDO:0015229.

Submission:

Labcorp Genetics (formerly Invitae), Labcorp
Classification: Pathogenic for Bardet-Biedl syndrome. Last evaluated: 2023-04-09. Review status: criteria provided, single submitter. Criteria: Invitae Variant Classification Sherloc (09022015). Collection method: clinical testing. Allele origin: germline.
Comment: For these reasons, this variant has been classified as Pathogenic. This variant disrupts a region of the BBS10 protein in which other variant(s) (p.Val707*) have been determined to be pathogenic (PMID: 20472660, 22773737, 25982971, 27486776). This suggests that this is a clinically significant region of the protein, and that variants that disrupt it are likely to be disease-causing. ClinVar contains an entry for this variant (Variation ID: 1455752). This variant has not been reported in the literature in individuals affected with BBS10-related conditions. This variant is not present in population databases (gnomAD no frequency). This sequence change creates a premature translational stop signal (p.Leu318*) in the BBS10 gene. While this is not anticipated to result in nonsense mediated decay, it is expected to disrupt the last 406 amino acid(s) of the BBS10 protein.

Literature cited by the submitters: PubMed 20472660; PubMed 22773737; PubMed 25982971; PubMed 27486776.

NM_024685.4(BBS10):c.953del (p.Asp317_Leu318insTer)

Gene: BBS10 (Bardet-Biedl syndrome 10; minus strand). Cytogenetic location: 12q21.2.
Variant type: Deletion.
Coding change: c.953del on transcript NM_024685.4 (MANE Select); coding-DNA position 953, one base deleted (T; older notation c.953delT).
Protein change: p.Asp317_Leu318insTer.
Molecular consequence: nonsense.
Genome position (GRCh38, 1-based): chr12:76,347,032, A deleted on the plus strand (T on the coding strand, the reverse complement: BBS10 is on the minus strand); the first of 3 consecutive A bases (chr12:76,347,032-76,347,034); deleting any one gives the same sequence. VCF-style (leftmost placement, unchanged base first): chr12-76347031-TA-T. GRCh37 (hg19) VCF-style: chr12-76740811-TA-T.
Identifiers: ClinVar variation 1455752 (VCV001455752.8), dbSNP rs2136090739, ClinGen allele CA2573148993.
Genomic context (GRCh38, chr12:76,347,031, plus strand): 5'-TTCTTCTGATGATAAACACTCAACCACTGATATGCCATTCACCCCTGCATAATAACTAAC[TA>T]AATCTGGTTGTTTCACACTAGATATGAGCAATTTTACATTCTGACTATGTAGATGTTTCA-3'